The following is an entry in ClinVar:

NM_014317.5(PDSS1):c.173_174insA (p.Ile58_Asn59insTer)

Gene: PDSS1 (decaprenyl diphosphate synthase subunit 1; plus strand). Cytogenetic location: 10p12.1.
Variant type: Insertion.
Coding change: c.173_174insA on transcript NM_014317.5 (MANE Select); coding-DNA positions 173 to 174, A inserted.
Protein change: p.Ile58_Asn59insTer.
Molecular consequence: frameshift variant. On other transcripts: 5 prime UTR variant (1).
Genome position: GRCh38 VCF-style: chr10-26704687-T-TA. GRCh37 (hg19) VCF-style: chr10-26993616-T-TA.
Other names: c.173_174insA, p.Ile58_Asn59insTer (NM_001321978.2); c.-421_-420insA (NM_001321979.2).
Identifiers: ClinVar variation 2500794 (VCV002500794.2), dbSNP rs1835152848, ClinGen allele CA926144757.

ClinVar aggregate classification (germline): Likely pathogenic (1 of 4 stars; one submission).

Conditions:
Deafness-encephaloneuropathy-obesity-valvulopathy syndrome. Identifiers: Orphanet 254898, MedGen C3553354, MONDO:0013837, OMIM 614651.

Allele frequency attached by ClinVar (database versions not stated): TOPMed below 0.00001; gnomAD 0.00001; gnomAD exomes 0.00001.

Submission:

Victorian Clinical Genetics Services, Murdoch Childrens Research Institute
Classification: Likely pathogenic for Deafness-encephaloneuropathy-obesity-valvulopathy syndrome. Last evaluated: 2021-05-06. Review status: criteria provided, single submitter. Criteria: ACMG Guidelines, 2015. Collection method: clinical testing. Allele origin: germline. Inheritance: Autosomal recessive inheritance. Affected: yes.
Comment: Based on the classification scheme VCGS_Germline_v1.3.4, this variant is classified as Likely Pathogenic. Following criteria are met: 0102 - Loss of function is a known mechanism of disease in this gene and is associated with Coenzyme Q10 deficiency, primary, 2, MIM#614651. (I) 0106 - This gene is associated with autosomal recessive disease. (I) 0201 - Variant is predicted to cause nonsense-mediated decay (NMD) and loss of protein (premature termination codon is located at least 54 nucleotides upstream of the final exon-exon junction). (SP) 0251 - This variant is heterozygous. (I) 0304 - Variant is present in gnomAD <0.01 for a recessive condition (1 heterozygote, 0 homozygotes). (SP) 0703 - Other NMD-predicted variants comparable to the one identified in this case have moderate previous evidence for pathogenicity. NMD-predicted variants have been reported in at least two patients with coenzyme Q10 deficiency (ClinVar, PMID: 22494076). (SP) 0807 - This variant has no previous evidence of pathogenicity. (I) 0905 - No published segregation evidence has been identified for this variant. (I) 1007 - No published functional evidence has been identified for this variant. (I) Legend: (SP) - Supporting pathogenic, (I) - Information, (SB) - Supporting benign

Literature cited by the submitters: PubMed 22494076.